The following is an entry in ClinVar:

NM_014846.4(WASHC5):c.1771T>C (p.Ser591Pro)

Gene: WASHC5 (WASH complex subunit 5; minus strand). Cytogenetic location: 8q24.13.
Variant type: single nucleotide variant.
Coding change: c.1771T>C on transcript NM_014846.4 (MANE Select); coding-DNA position 1771, T replaced by C.
Protein change: p.Ser591Pro; replaces serine 591 with proline.
Molecular consequence: missense variant.
Genome position (GRCh38, 1-based): chr8:125,057,660, A>G on the plus strand (T>C on the coding strand, the complement: WASHC5 is on the minus strand). VCF-style: chr8-125057660-A-G. GRCh37 (hg19) VCF-style: chr8-126069902-A-G.
Other names: c.1327T>C, p.Ser443Pro (NM_001330609.2); short protein forms S591P, S443P.
Identifiers: ClinVar variation 463137 (VCV000463137.16), dbSNP rs1554593901, ClinGen allele CA372191456.

ClinVar aggregate classification (germline): Pathogenic/Likely pathogenic. Review status: criteria provided, multiple submitters, no conflicts (2 of 4 stars). 4 submissions from 4 submitters: Pathogenic (2); Likely pathogenic (1). 1 of the submissions does not count toward it. Last evaluated 2021-08-03.

Conditions:
Hereditary spastic paraplegia 8 (SPG8). Also called: SPASTIC PARAPLEGIA 8, AUTOSOMAL DOMINANT. Identifiers: Orphanet 100989, MedGen C1863704, MONDO:0011339, OMIM 603563.
Ritscher-Schinzel syndrome. Also called: CRANIOCEREBELLOCARDIAC DYSPLASIA. Identifiers: Orphanet 7, MedGen C0796137, MONDO:0019078.
Ritscher-Schinzel syndrome 1 (RTSC1). Identifiers: Orphanet 7, MedGen C4551776, MONDO:0009073, OMIM 220210.

Submissions (4):

Labcorp Genetics (formerly Invitae), Labcorp
Classification: Pathogenic for Ritscher-Schinzel syndrome; Hereditary spastic paraplegia 8. Last evaluated: 2021-08-03. Review status: criteria provided, single submitter. Criteria: Invitae Variant Classification Sherloc (09022015). Collection method: clinical testing. Allele origin: germline.
Comment: This variant has been observed in individual(s) with hereditary spastic paraplegia (PMID: 24824269, Invitae). It has also been observed to segregate with disease in related individuals. ClinVar contains an entry for this variant (Variation ID: 463137). This sequence change replaces serine with proline at codon 591 of the WASHC5 protein (p.Ser591Pro). The serine residue is moderately conserved and there is a moderate physicochemical difference between serine and proline. This variant is not present in population databases (ExAC no frequency). Algorithms developed to predict the effect of missense changes on protein structure and function are either unavailable or do not agree on the potential impact of this missense change (SIFT: "Tolerated"; PolyPhen-2: "Probably Damaging"; Align-GVGD: "Class C0"). For these reasons, this variant has been classified as Pathogenic.

Equipe Genetique des Anomalies du Developpement, Université de Bourgogne
Classification: Likely pathogenic for Hereditary spastic paraplegia 8. Last evaluated: 2018-05-09. Review status: criteria provided, single submitter. Criteria: ACMG Guidelines, 2015. Collection method: clinical testing. Allele origin: unknown. Affected: yes.

Paris Brain Institute, Inserm - ICM
Classification: Pathogenic for Hereditary spastic paraplegia 8. Review status: criteria provided, single submitter. Criteria: ACMG Guidelines, 2015. Collection method: clinical testing. Allele origin: unknown. Affected: yes. Observed: 3 variant alleles.

Genomics England Pilot Project, Genomics England
Classification: Likely pathogenic for Ritscher-Schinzel syndrome 1. Review status: no assertion criteria provided. Criteria: ACGS Guidelines, 2016. Collection method: clinical testing. Allele origin: germline. Affected: yes. Not counted in ClinVar's aggregate classification.

Literature cited by the submitters: PubMed 24824269 (cited by Labcorp Genetics (formerly Invitae), Labcorp).